The following is an entry in ClinVar:

NM_015450.3(POT1):c.1184G>A (p.Gly395Asp)

Gene: POT1 (protection of telomeres 1; minus strand). Cytogenetic location: 7q31.33.
Variant type: single nucleotide variant.
Coding change: c.1184G>A on transcript NM_015450.3 (MANE Select); coding-DNA position 1184, G replaced by A.
Protein change: p.Gly395Asp; replaces glycine 395 with aspartic acid.
Molecular consequence: missense variant. On other transcripts: non-coding transcript variant (3).
Genome position (GRCh38, 1-based): chr7:124,841,158, C>T on the plus strand (G>A on the coding strand, the complement: POT1 is on the minus strand). VCF-style: chr7-124841158-C-T. GRCh37 (hg19) VCF-style: chr7-124481212-C-T.
Other names: c.791G>A, p.Gly264Asp (NM_001042594.2); short protein forms G395D, G264D.
Identifiers: ClinVar variation 818472 (VCV000818472.12), dbSNP rs1584757364, ClinGen allele CA369067703.

ClinVar aggregate classification (germline): Uncertain significance. Review status: criteria provided, multiple submitters, no conflicts (2 of 4 stars). 2 submissions from 2 submitters: Uncertain significance (2). Last evaluated 2025-07-17.

Conditions:
Tumor predisposition syndrome 3 (TPDS3). Also called: Glioma susceptibility 9; LONG TELOMERE SYNDROME, POT1-RELATED; POT1 Tumor Predisposition; Melanoma, cutaneous malignant, susceptibility to, 10. Identifiers: Orphanet 618, MedGen C4014476, MONDO:0014368, OMIM 615848.
Hereditary cancer-predisposing syndrome. Also called: Tumor predisposition; Hereditary Cancer Syndrome; Hereditary neoplastic syndrome; Neoplastic Syndromes, Hereditary. Identifiers: Orphanet 140162, MedGen C0027672, MeSH D009386, MONDO:0015356.

Allele frequency attached by ClinVar (database versions not stated): gnomAD exomes below 0.00001.
gnomAD v4.1: 2 of 1,611,884 alleles (0.00012%); highest among the groups gnomAD compares: Non-Finnish European, 0.00017%; no homozygotes.

Submissions (2):

Labcorp Genetics (formerly Invitae), Labcorp
Classification: Uncertain significance for Tumor predisposition syndrome 3. Last evaluated: 2025-07-17. Review status: criteria provided, single submitter. Criteria: Invitae Variant Classification Sherloc (09022015). Collection method: clinical testing. Allele origin: germline.
Comment: This sequence change replaces glycine, which is neutral and non-polar, with aspartic acid, which is acidic and polar, at codon 395 of the POT1 protein (p.Gly395Asp). This variant is not present in population databases (gnomAD no frequency). This variant has not been reported in the literature in individuals affected with POT1-related conditions. ClinVar contains an entry for this variant (Variation ID: 818472). Invitae Evidence Modeling of protein sequence and biophysical properties (such as structural, functional, and spatial information, amino acid conservation, physicochemical variation, residue mobility, and thermodynamic stability) indicates that this missense variant is not expected to disrupt POT1 protein function with a negative predictive value of 80%. In summary, the available evidence is currently insufficient to determine the role of this variant in disease. Therefore, it has been classified as a Variant of Uncertain Significance.

Ambry Genetics
Classification: Uncertain significance for Hereditary cancer-predisposing syndrome. Last evaluated: 2023-10-06. Review status: criteria provided, single submitter. Criteria: Ambry Variant Classification Scheme 2023. Collection method: clinical testing. Allele origin: germline.
Comment: The p.G395D variant (also known as c.1184G>A), located in coding exon 10 of the POT1 gene, results from a G to A substitution at nucleotide position 1184. The glycine at codon 395 is replaced by aspartic acid, an amino acid with similar properties. This amino acid position is poorly conserved in available vertebrate species. In addition, this alteration is predicted to be tolerated by in silico analysis. Since supporting evidence is limited at this time, the clinical significance of this alteration remains unclear.